The following is an entry in ClinVar:

ClinVar aggregate classification (germline): Likely benign (1 of 4 stars; one submission).

Allele frequency attached by ClinVar (database versions not stated): 1000 Genomes Project 0.00719; 1000 Genomes Project 30x 0.00734; TOPMed 0.01544; gnomAD 0.01569 and 0.01595; gnomAD exomes 0.02322.

Submission:

GeneDx
Classification: Likely benign. Last evaluated: 2018-06-16. Review status: criteria provided, single submitter. Criteria: GeneDx Variant Classification (06012015). Collection method: clinical testing. Allele origin: germline. Affected: yes.
Comment: This variant is considered likely benign or benign based on one or more of the following criteria: it is a conservative change, it occurs at a poorly conserved position in the protein, it is predicted to be benign by multiple in silico algorithms, and/or has population frequency not consistent with disease.

NM_001271.4(CHD2):c.4414-97del

Gene: CHD2 (chromodomain helicase DNA binding protein 2; plus strand). Cytogenetic location: 15q26.1.
Variant type: Deletion.
Coding change: c.4414-97del on transcript NM_001271.4 (MANE Select); 97 bases into the intron before coding-DNA position 4414, one base deleted (A; older notation c.4414-97delA).
Molecular consequence: intron variant.
Genome position (GRCh38, 1-based): chr15:93,009,048, A deleted. VCF-style (leftmost placement, unchanged base first): chr15-93009047-TA-T. GRCh37 (hg19) VCF-style: chr15-93552277-TA-T.
Identifiers: ClinVar variation 677424 (VCV000677424.1), dbSNP rs201797039, ClinGen allele CA274885040.
Genomic context (GRCh38, chr15:93,009,047, plus strand): 5'-TACTTACACTTACTCCACTGCACTAGCTTTACCCACTCTTCCTCTAGCAATTATATGGCA[TA>T]GGGGTGGGCTGTGTTTTCATCGAGAGCACAGTAAGCAAAGGACAAGACTTACTTTCTGCA-3'